The following is an entry in ClinVar:

ClinVar aggregate classification (germline): Likely pathogenic (1 of 4 stars; one submission).

Conditions:
Combined malonic and methylmalonic acidemia. Identifiers: Orphanet 289504, MedGen C3280314, MONDO:0013661, OMIM 614265.

Submission:

Labcorp Genetics (formerly Invitae), Labcorp
Classification: Likely pathogenic for Combined malonic and methylmalonic acidemia. Last evaluated: 2023-06-05. Review status: criteria provided, single submitter. Criteria: Invitae Variant Classification Sherloc (09022015). Collection method: clinical testing. Allele origin: germline.
Comment: In summary, the currently available evidence indicates that the variant is pathogenic, but additional data are needed to prove that conclusively. Therefore, this variant has been classified as Likely Pathogenic. Algorithms developed to predict the effect of sequence changes on RNA splicing suggest that this variant may disrupt the consensus splice site. This variant has not been reported in the literature in individuals affected with ACSF3-related conditions. This variant is not present in population databases (gnomAD no frequency). This sequence change affects an acceptor splice site in intron 6 of the ACSF3 gene. It is expected to disrupt RNA splicing. Variants that disrupt the donor or acceptor splice site typically lead to a loss of protein function (PMID: 16199547), and loss-of-function variants in ACSF3 are known to be pathogenic (PMID: 21841779, 26827111).

Literature cited by the submitters: PubMed 16199547; PubMed 21841779; PubMed 26827111.

NM_001243279.3(ACSF3):c.1127-2A>T

Gene: ACSF3 (acyl-CoA synthetase family member 3; plus strand). Cytogenetic location: 16q24.3.
Variant type: single nucleotide variant.
Coding change: c.1127-2A>T on transcript NM_001243279.3 (MANE Select); the canonical splice acceptor site of the intron before coding-DNA position 1127, A replaced by T.
Molecular consequence: splice acceptor variant.
Genome position (GRCh38, 1-based): chr16:89,120,799, A>T. VCF-style: chr16-89120799-A-T. GRCh37 (hg19) VCF-style: chr16-89187207-A-T.
Other names: c.1127-2A>T (NM_001127214.4, NM_174917.5); c.332-2A>T (NM_001284316.2).
Identifiers: ClinVar variation 2770301 (VCV002770301.3), dbSNP rs2543677662, ClinGen allele CA397142119.
Genomic context (GRCh38, chr16:89,120,799, plus strand): 5'-GCTTCTCTCCTCCAGGTTCCTCTCACTCCAGCCTCCCCTTCAGTGTTTCTCCTCTCCTGT[A>T]GGTTCCGTGGGGACCCCACTGCCTGGAGTACAGGTGCGCATTGTCTCAGAAAACCCACAG-3'